The following is an entry in ClinVar:

NM_005121.3(MED13):c.5957A>G (p.Asn1986Ser)

Gene: MED13 (mediator complex subunit 13; minus strand). Cytogenetic location: 17q23.2.
Variant type: single nucleotide variant.
Coding change: c.5957A>G on transcript NM_005121.3 (MANE Select); coding-DNA position 5957, A replaced by G.
Protein change: p.Asn1986Ser; replaces asparagine 1986 with serine.
Molecular consequence: missense variant.
Genome position (GRCh38, 1-based): chr17:61,955,393, T>C on the plus strand (A>G on the coding strand, the complement: MED13 is on the minus strand). VCF-style: chr17-61955393-T-C. GRCh37 (hg19) VCF-style: chr17-60032754-T-C.
Other names: short protein forms N1986S.
Identifiers: ClinVar variation 5005789 (VCV005005789.2).

ClinVar aggregate classification (germline): Uncertain significance (1 of 4 stars; one submission).

Conditions:
Intellectual developmental disorder 61. Also called: MENTAL RETARDATION, AUTOSOMAL DOMINANT 61; INTELLECTUAL DEVELOPMENTAL DISORDER, AUTOSOMAL DOMINANT 61. Identifiers: MedGen C5231400, MONDO:0032485, OMIM 618009.

gnomAD v4.1: 3 of 1,548,012 alleles (0.00019%); highest among the groups gnomAD compares: Non-Finnish European, 0.00026%; no homozygotes.

Submission:

Juno Genomics, Hangzhou Juno Genomics, Inc
Classification: Uncertain significance for Intellectual developmental disorder 61. Review status: criteria provided, single submitter. Criteria: ACMG Guidelines, 2015. Collection method: clinical testing. Allele origin: germline.
Comment: Absent from controls (or at extremely low frequency if recessive) in Genome Aggregation Database.;De novo (both maternity and paternity confirmed) in a patient with the disease and no family history.;Multiple lines of computational evidence suggest no impact on gene or gene product.;Missense variant in a gene that has a low rate of benign missense variation.